The following is an entry in ClinVar:

ClinVar aggregate classification (germline): Pathogenic/Likely pathogenic. Review status: criteria provided, multiple submitters, no conflicts (2 of 4 stars). 8 submissions from 8 submitters: Pathogenic (2); Likely pathogenic (5). 1 of the submissions does not count toward it. Last evaluated 2025-06-15.

Conditions:
ANK1-related disorder. Also called: ANK1-related condition.
Hereditary spherocytosis type 1. Also called: Spherocytosis type 1; ANK1-Related Spherocytosis. Identifiers: Orphanet 822, MedGen C2674218, MONDO:0008447, OMIM 182900.
SPHEROCYTOSIS, TYPE 1, AUTOSOMAL RECESSIVE. Identifiers: MedGen C4017275.

Allele frequency attached by ClinVar (database versions not stated): TOPMed below 0.00001.
gnomAD v4.1: 2 of 1,613,290 alleles (0.00012%); highest among the groups gnomAD compares: Non-Finnish European, 0.00017%; no homozygotes.

Submissions (8):

Labcorp Genetics (formerly Invitae), Labcorp
Classification: Pathogenic. Last evaluated: 2025-06-15. Review status: criteria provided, single submitter. Criteria: Invitae Variant Classification Sherloc (09022015). Collection method: clinical testing. Allele origin: germline.
Comment: This sequence change falls in intron 16 of the ANK1 gene. It does not directly change the encoded amino acid sequence of the ANK1 protein. This variant is not present in population databases (gnomAD no frequency). This variant has been observed in individuals with hereditary spherocytosis (PMID: 17327413, 32518793, 32641076; internal data). ClinVar contains an entry for this variant (Variation ID: 513). Studies have shown that this variant is associated with altered splicing resulting in multiple RNA products (PMID: 17327413). For these reasons, this variant has been classified as Pathogenic.

Mayo Clinic Laboratories, Mayo Clinic
Classification: Likely pathogenic. Last evaluated: 2024-09-20. Review status: criteria provided, single submitter. Criteria: ACMG Guidelines, 2015. Collection method: clinical testing. Allele origin: germline.
Comment: PM2, PS3, PS4_moderate

Revvity Omics, Revvity
Classification: Likely pathogenic for Hereditary spherocytosis type 1. Last evaluated: 2024-03-26. Review status: criteria provided, single submitter. Criteria: ACMG Guidelines, 2015. Collection method: clinical testing. Allele origin: germline.

ARUP Laboratories, Molecular Genetics and Genomics, ARUP Laboratories
Classification: Likely pathogenic for Hereditary spherocytosis type 1. Last evaluated: 2023-09-29. Review status: criteria provided, single submitter. Criteria: ARUP Molecular Germline Variant Investigation Process 2024. Collection method: clinical testing. Allele origin: germline.
Comment: The ANK1 c.1801-17G>A variant (rs786205243) has been reported in multiple individuals from families affected with hereditary spherocytosis (HS) (Duru 1992, Edelman 2007, Kang 2020). This variant is also reported in ClinVar (Variation ID: 513). This variant is absent from the Genome Aggregation Database, indicating it is not a common polymorphism. This is an intronic variant in a moderately conserved nucleotide, and computational analyses (Alamut Visual Plus v.1.5.1) predict that this variant does not alter splicing in a significant way. However, in-vitro functional assays suggest altered splicing by creating a novel cryptic acceptor splice site. Based on available information, this variant is considered to be likely pathogenic. REFERENCES Duru F et al. Homozygosity for dominant form of hereditary spherocytosis. Br J Haematol. 1992 Nov. PMID: 1486040 Edelman EJ et al. A complex splicing defect associated with homozygous ankyrin-deficient hereditary spherocytosis. Blood. 2007 Jun 15. PMID: 17327413 Kang LL et al. Gilbert's syndrome coexisting with hereditary spherocytosis might not be rare: Six case reports. World J Clin Cases. 2020 May 26. PMID: 32518793

Blueprint Genetics
Classification: Likely pathogenic for ANK1-related disorders. Last evaluated: 2020-05-05. Review status: criteria provided, single submitter. Criteria: ACMG Guidelines, 2015. Collection method: clinical testing. Allele origin: germline. Affected: yes. Observed: 2 variant alleles.

CeGaT Center for Human Genetics Tuebingen
Classification: Likely pathogenic. Last evaluated: 2019-09-01. Review status: criteria provided, single submitter. Criteria: CeGaT Center For Human Genetics Tuebingen Variant Classification Criteria Version 2. Collection method: clinical testing. Allele origin: germline. Affected: yes. Observed: 1 variant allele.

Department of Genetic, Henri Mondor Hospital, Assistance Publique des Hôpitaux de Paris
Classification: Pathogenic for Hereditary spherocytosis type 1. Last evaluated: 2018-02-27. Review status: criteria provided, single submitter. Criteria: ACMG Guidelines, 2015. Collection method: clinical testing. Allele origin: germline. Affected: yes.

OMIM
Classification: Pathogenic for SPHEROCYTOSIS, TYPE 1, AUTOSOMAL RECESSIVE. Last evaluated: 2007-06-15. Review status: no assertion criteria provided. Collection method: literature only. Allele origin: germline. Not counted in ClinVar's aggregate classification.

Literature cited by the submitters: PubMed 17327413 (cited by 3 submitters); PubMed 32518793 (cited by Labcorp Genetics (formerly Invitae), Labcorp); PubMed 32641076 (cited by Labcorp Genetics (formerly Invitae), Labcorp); PubMed 1486040 (cited by OMIM).

NM_000037.4(ANK1):c.1801-17G>A

Gene: ANK1 (ankyrin 1; minus strand). Cytogenetic location: 8p11.21.
Variant type: single nucleotide variant.
Coding change: c.1801-17G>A on transcript NM_000037.4 (MANE Select); 17 bases into the intron before coding-DNA position 1801, G replaced by A.
Molecular consequence: intron variant.
Genome position (GRCh38, 1-based): chr8:41,708,992, C>T on the plus strand (G>A on the coding strand, the complement: ANK1 is on the minus strand). VCF-style: chr8-41708992-C-T. GRCh37 (hg19) VCF-style: chr8-41566510-C-T.
Other names: p.?; IVS16AS, G-A, -17; c.1900-17G>A (NM_001142446.2); c.1801-17G>A (NM_020477.3, NM_020475.3, NM_020476.3).
Identifiers: ClinVar variation 513 (VCV000000513.56), dbSNP rs786205243, ClinGen allele CA212747.